The following is an entry in ClinVar:

ClinVar aggregate classification (germline): Likely benign. Review status: criteria provided, multiple submitters, no conflicts (2 of 4 stars). 2 submissions from 2 submitters: Likely benign (2). Last evaluated 2022-02-23.

Allele frequency attached by ClinVar (database versions not stated): gnomAD 0.00001; TOPMed 0.00002; ExAC 0.00004.

Submissions (2):

Labcorp Genetics (formerly Invitae), Labcorp
Classification: Likely benign. Last evaluated: 2022-02-23. Review status: criteria provided, single submitter. Criteria: Invitae Variant Classification Sherloc (09022015). Collection method: clinical testing. Allele origin: germline.

GeneDx
Classification: Likely benign. Last evaluated: 2017-05-10. Review status: criteria provided, single submitter. Criteria: GeneDx Variant Classification (06012015). Collection method: clinical testing. Allele origin: germline. Affected: yes.
Comment: This variant is considered likely benign or benign based on one or more of the following criteria: it is a conservative change, it occurs at a poorly conserved position in the protein, it is predicted to be benign by multiple in silico algorithms, and/or has population frequency not consistent with disease.

NM_018993.4(RIN2):c.1770G>A (p.Val590=)

Gene: RIN2 (Ras and Rab interactor 2; plus strand). Cytogenetic location: 20p11.23.
Variant type: single nucleotide variant.
Coding change: c.1770G>A on transcript NM_018993.4 (MANE Select); coding-DNA position 1770, G replaced by A.
Protein change: p.Val590=; no amino-acid change (valine 590 retained).
Molecular consequence: synonymous variant.
Genome position (GRCh38, 1-based): chr20:19,990,013, G>A. VCF-style: chr20-19990013-G-A. GRCh37 (hg19) VCF-style: chr20-19970657-G-A.
Other names: c.1917G>A, p.Val639= (NM_001242581.2); c.1152G>A, p.Val384= (NM_001378238.1).
Identifiers: ClinVar variation 509343 (VCV000509343.5), dbSNP rs780557852, ClinGen allele CA9780150.